The following is an entry in ClinVar:

ClinVar aggregate classification (germline): Pathogenic (1 of 4 stars; one submission).

Conditions:
KBG syndrome (KBGS). Also called: ANKRD11-Related KBG Syndrome. Identifiers: Orphanet 2332, MedGen C0220687, MONDO:0007846, OMIM 148050.

Submission:

Genetics Laboratory, UDIAT-Centre Diagnòstic, Hospital Universitari Parc Tauli
Classification: Pathogenic for KBG syndrome. Last evaluated: 2022-10-04. Review status: criteria provided, single submitter. Criteria: Parc Tauli Hospital Assertion Criteria 2021. Collection method: clinical testing. Allele origin: de novo. Inheritance: Autosomal dominant inheritance. Affected: yes.
Comment: PVS1;PM2_supporting;PM6

NM_013275.6(ANKRD11):c.7048_7050del (p.Gln2350del)

Gene: ANKRD11 (ankyrin repeat domain 11; minus strand). Cytogenetic location: 16q24.3.
Variant type: Deletion.
Coding change: c.7048_7050del on transcript NM_013275.6 (MANE Select); coding-DNA positions 7048 to 7050, 3 bases deleted (CAG; older notation c.7048_7050delCAG).
Protein change: p.Gln2350del; deletes glutamine 2350.
Molecular consequence: inframe deletion.
Genome position (GRCh38, 1-based): chr16:89,279,492-89,279,494, CTG deleted on the plus strand (CAG on the coding strand, the reverse complement: ANKRD11 is on the minus strand); deleting any 3 consecutive bases within chr16:89,279,492-89,279,496 gives the same sequence; the c. name uses the placement nearest the transcript's 3' end. VCF-style (leftmost placement, unchanged base first): chr16-89279491-CCTG-C. GRCh37 (hg19) VCF-style: chr16-89345899-CCTG-C.
Other names: c.7048_7050del, p.Gln2350del (NM_001256182.2, NM_001256183.2); short protein forms Q2350del.
Identifiers: ClinVar variation 1708220 (VCV001708220.2), dbSNP rs2544219627, ClinGen allele CA2580092269.